The following is an entry in ClinVar:

ClinVar aggregate classification (germline): Uncertain significance (1 of 4 stars; one submission).

Conditions:
Nemaline myopathy 6 (NEM6). Also called: Nemaline myopathy 6, autosomal dominant. Identifiers: Orphanet 171439, MedGen C1836472, MONDO:0012237, OMIM 609273.

Submission:

Labcorp Genetics (formerly Invitae), Labcorp
Classification: Uncertain significance for Nemaline myopathy 6. Last evaluated: 2022-11-22. Review status: criteria provided, single submitter. Criteria: Invitae Variant Classification Sherloc (09022015). Collection method: clinical testing. Allele origin: germline.
Comment: Experimental studies and prediction algorithms are not available or were not evaluated, and the functional significance of this variant is currently unknown. In summary, the available evidence is currently insufficient to determine the role of this variant in disease. Therefore, it has been classified as a Variant of Uncertain Significance. ClinVar contains an entry for this variant (Variation ID: 966743). This variant has not been reported in the literature in individuals affected with KBTBD13-related conditions. This variant is not present in population databases (gnomAD no frequency). This variant, c.412_423dup, results in the insertion of 4 amino acid(s) of the KBTBD13 protein (p.Ala138_Ala141dup), but otherwise preserves the integrity of the reading frame.

NM_001101362.3(KBTBD13):c.412_423dup (p.Ala138_Ala141dup)

Gene: KBTBD13 (kelch repeat and BTB domain containing 13; plus strand). Cytogenetic location: 15q22.31.
Variant type: Duplication.
Coding change: c.412_423dup on transcript NM_001101362.3 (MANE Select); coding-DNA positions 412 to 423, 12 bases duplicated (GCCGAACTGGCG).
Protein change: p.Ala138_Ala141dup.
Molecular consequence: inframe insertion.
Genome position (GRCh38, 1-based): chr15:65,077,227-65,077,238, GCCGAACTGGCG duplicated; duplicating any 12 consecutive bases within chr15:65,077,221-65,077,238 gives the same sequence; the c. name uses the placement nearest the transcript's 3' end. VCF-style (leftmost placement, unchanged base first): chr15-65077220-G-GCTGGCGGCCGAA. GRCh37 (hg19) VCF-style: chr15-65369558-G-GCTGGCGGCCGAA.
Identifiers: ClinVar variation 966743 (VCV000966743.9), dbSNP rs2086986389, ClinGen allele CA1139664032.